The following is an entry in ClinVar:

ClinVar aggregate classification (germline): Uncertain significance (1 of 4 stars; one submission).

Allele frequency attached by ClinVar (database versions not stated): ExAC 0.00001; gnomAD 0.00001; TOPMed 0.00002; gnomAD exomes 0.00004.

Submission:

Labcorp Genetics (formerly Invitae), Labcorp
Classification: Uncertain significance. Last evaluated: 2023-11-24. Review status: criteria provided, single submitter. Criteria: Invitae Variant Classification Sherloc (09022015). Collection method: clinical testing. Allele origin: germline.
Comment: This sequence change replaces proline, which is neutral and non-polar, with leucine, which is neutral and non-polar, at codon 328 of the NACC1 protein (p.Pro328Leu). This variant is present in population databases (rs775270520, gnomAD 0.0009%). This variant has not been reported in the literature in individuals affected with NACC1-related conditions. Advanced modeling of protein sequence and biophysical properties (such as structural, functional, and spatial information, amino acid conservation, physicochemical variation, residue mobility, and thermodynamic stability) performed at Invitae indicates that this missense variant is not expected to disrupt NACC1 protein function with a negative predictive value of 80%. In summary, the available evidence is currently insufficient to determine the role of this variant in disease. Therefore, it has been classified as a Variant of Uncertain Significance.

NM_052876.4(NACC1):c.983C>T (p.Pro328Leu)

Gene: NACC1 (nucleus accumbens associated 1; plus strand). Cytogenetic location: 19p13.13.
Variant type: single nucleotide variant.
Coding change: c.983C>T on transcript NM_052876.4 (MANE Select); coding-DNA position 983, C replaced by T.
Protein change: p.Pro328Leu; replaces proline 328 with leucine.
Molecular consequence: missense variant.
Genome position (GRCh38, 1-based): chr19:13,136,268, C>T. VCF-style: chr19-13136268-C-T. GRCh37 (hg19) VCF-style: chr19-13247082-C-T.
Other names: short protein forms P328L.
Identifiers: ClinVar variation 2989907 (VCV002989907.3), dbSNP rs775270520, ClinGen allele CA9238383.